The following is an entry in ClinVar:

ClinVar aggregate classification (germline): Uncertain significance. Review status: criteria provided, multiple submitters, no conflicts (2 of 4 stars). 2 submissions from 2 submitters: Uncertain significance (2). Last evaluated 2023-08-05.

Conditions:
Wilms tumor 1 (WT1). Also called: Wilms tumor, somatic. Identifiers: Orphanet 654, MedGen CN033288, MONDO:0008679, OMIM 194070.
11p partial monosomy syndrome (WAGR). Also called: WAGR Spectrum Disorder; WAGR syndrome; WAGR Complex; CHROMOSOME 11p13 DELETION SYNDROME. Identifiers: Orphanet 893, MedGen C0206115, MONDO:0008681, OMIM 194072.
Drash syndrome (DDS). Also called: NEPHROPATHY, WILMS TUMOR, AND GENITAL ANOMALIES; WILMS TUMOR AND PSEUDO- OR TRUE HERMAPHRODITISM. Identifiers: Orphanet 220, MedGen C0950121, MONDO:0008682, OMIM 194080.
Frasier syndrome. Identifiers: Orphanet 347, MedGen C0950122, MeSH D052159, MONDO:0007635, OMIM 136680.
WT1-related disorder. Also called: WT1-related disorders. Identifiers: MedGen CN377814.

Allele frequency attached by ClinVar (database versions not stated): gnomAD exomes below 0.00001.
gnomAD v4.1: 1 of 1,603,704 alleles (0.000062%); highest among the groups gnomAD compares: Non-Finnish European, 0.000085%; no homozygotes.

Submissions (2):

PreventionGenetics, part of Exact Sciences
Classification: Uncertain significance for WT1-related condition. Last evaluated: 2023-08-05. Review status: criteria provided, single submitter. Criteria: ACMG Guidelines, 2015. Collection method: clinical testing. Allele origin: germline.
Comment: The WT1 c.776A>C variant is predicted to result in the amino acid substitution p.Gln259Pro. To our knowledge, this variant has not been reported in the literature or in a large population database, indicating this variant is rare. At this time, the clinical significance of this variant is uncertain due to the absence of conclusive functional and genetic evidence.

Labcorp Genetics (formerly Invitae), Labcorp
Classification: Uncertain significance for Wilms tumor 1; Drash syndrome; 11p partial monosomy syndrome; Frasier syndrome. Last evaluated: 2022-09-24. Review status: criteria provided, single submitter. Criteria: Invitae Variant Classification Sherloc (09022015). Collection method: clinical testing. Allele origin: germline.
Comment: In summary, the available evidence is currently insufficient to determine the role of this variant in disease. Therefore, it has been classified as a Variant of Uncertain Significance. Algorithms developed to predict the effect of missense changes on protein structure and function output the following: SIFT: "Deleterious"; PolyPhen-2: "Benign"; Align-GVGD: "Class C65". The proline amino acid residue is found in multiple mammalian species, which suggests that this missense change does not adversely affect protein function. This variant has not been reported in the literature in individuals affected with WT1-related conditions. This variant is not present in population databases (gnomAD no frequency). This sequence change replaces glutamine, which is neutral and polar, with proline, which is neutral and non-polar, at codon 259 of the WT1 protein (p.Gln259Pro).

NM_024426.6(WT1):c.791A>C (p.Gln264Pro)

Gene: WT1 (WT1 transcription factor; minus strand). Cytogenetic location: 11p13.
Variant type: single nucleotide variant.
Coding change: c.791A>C on transcript NM_024426.6 (MANE Select); coding-DNA position 791, A replaced by C.
Protein change: p.Gln264Pro; replaces glutamine 264 with proline.
Molecular consequence: missense variant. On other transcripts: non-coding transcript variant (1).
Genome position (GRCh38, 1-based): chr11:32,428,052, T>G on the plus strand (A>C on the coding strand, the complement: WT1 is on the minus strand). VCF-style: chr11-32428052-T-G. GRCh37 (hg19) VCF-style: chr11-32449598-T-G.
Other names: c.791A>C, p.Gln264Pro (NM_000378.6, NM_001407044.1, NM_001407045.1 and 4 more transcripts); c.140A>C, p.Gln47Pro (NM_001198551.2, NM_001198552.2); c.668A>C, p.Gln223Pro (NM_001407047.1, NM_001407050.1); c.29A>C, p.Gln10Pro (NM_001407051.1); c.776A>C, p.Gln259Pro (NM_024425.2); c.776A>C (NM_024426.4); short protein forms Q10P, Q223P, Q259P, Q264P, Q47P.
Identifiers: ClinVar variation 1718396 (VCV001718396.7), dbSNP rs2494426677, ClinGen allele CA379963181.
Genomic context (GRCh38, chr11:32,428,052, plus strand): 5'-CCGGTGCAGCTGTCGGTGGGGGTGTGGCAGCCATAGACCGGGGGCGGCACCGAGTACTGC[T>G]GCTCACCTGCAGAGAGAACCGAAGACAGCTGAGCGAGTGCGCCCCAAGGGCTCGGGGTGC-3'
Protein context (NP_077744.4, residues 254-274): PMGQQGSLGE[Gln264Pro]QYSVPPPVYG